The following is an entry in ClinVar:

NM_004655.4(AXIN2):c.2104C>G (p.Arg702Gly)

Gene: AXIN2 (axin 2; minus strand). Cytogenetic location: 17q24.1.
Variant type: single nucleotide variant.
Coding change: c.2104C>G on transcript NM_004655.4 (MANE Select); coding-DNA position 2104, C replaced by G.
Protein change: p.Arg702Gly; replaces arginine 702 with glycine.
Molecular consequence: missense variant.
Genome position (GRCh38, 1-based): chr17:65,536,357, G>C on the plus strand (C>G on the coding strand, the complement: AXIN2 is on the minus strand). VCF-style: chr17-65536357-G-C. GRCh37 (hg19) VCF-style: chr17-63532475-G-C.
Other names: c.1909C>G, p.Arg637Gly (NM_001363813.1); short protein forms R637G, R702G.
Identifiers: ClinVar variation 2100136 (VCV002100136.4), dbSNP rs1244431726, ClinGen allele CA400675978.

ClinVar aggregate classification (germline): Uncertain significance (1 of 4 stars; one submission).

Conditions:
Oligodontia-cancer predisposition syndrome. Also called: TOOTH AGENESIS-COLORECTAL CANCER SYNDROME. Identifiers: Orphanet 300576, MedGen C1837750, MONDO:0012075, OMIM 608615. Disease mechanism: loss of function.

Submission:

Labcorp Genetics (formerly Invitae), Labcorp
Classification: Uncertain significance for Oligodontia-cancer predisposition syndrome. Last evaluated: 2022-02-20. Review status: criteria provided, single submitter. Criteria: Invitae Variant Classification Sherloc (09022015). Collection method: clinical testing. Allele origin: germline.
Comment: In summary, the available evidence is currently insufficient to determine the role of this variant in disease. Therefore, it has been classified as a Variant of Uncertain Significance. Algorithms developed to predict the effect of missense changes on protein structure and function are either unavailable or do not agree on the potential impact of this missense change (SIFT: "Deleterious"; PolyPhen-2: "Probably Damaging"; Align-GVGD: "Class C0"). This variant has not been reported in the literature in individuals affected with AXIN2-related conditions. This variant is not present in population databases (gnomAD no frequency). This sequence change replaces arginine, which is basic and polar, with glycine, which is neutral and non-polar, at codon 702 of the AXIN2 protein (p.Arg702Gly).